The following is an entry in ClinVar:

ClinVar aggregate classification (germline): Uncertain significance. Review status: criteria provided, multiple submitters, no conflicts (2 of 4 stars). 2 submissions from 2 submitters: Uncertain significance (2). Last evaluated 2025-05-28.

Conditions:
Sulfite oxidase deficiency due to molybdenum cofactor deficiency type A. Also called: Molybdenum cofactor deficiency, complementation group A; Molybdenum Cofactor Deficiency A. Identifiers: Orphanet 308386, Orphanet 833, MedGen C1854988, MONDO:0009643, OMIM 252150.
Inborn genetic diseases. Identifiers: MedGen C0950123, MeSH D030342.

Allele frequency attached by ClinVar (database versions not stated): TOPMed 0.00002; gnomAD 0.00003 and 0.00004; 1000 Genomes Project 30x 0.00031.

Submissions (2):

Ambry Genetics
Classification: Uncertain significance for Inborn genetic diseases. Last evaluated: 2025-05-28. Review status: criteria provided, single submitter. Criteria: Ambry Variant Classification Scheme 2023. Collection method: clinical testing. Allele origin: germline.

Labcorp Genetics (formerly Invitae), Labcorp
Classification: Uncertain significance for Sulfite oxidase deficiency due to molybdenum cofactor deficiency type A. Last evaluated: 2022-07-18. Review status: criteria provided, single submitter. Criteria: Invitae Variant Classification Sherloc (09022015). Collection method: clinical testing. Allele origin: germline.
Comment: This sequence change replaces proline, which is neutral and non-polar, with serine, which is neutral and polar, at codon 5 of the MOCS1 protein (p.Pro5Ser). The frequency data for this variant in the population databases is considered unreliable, as metrics indicate poor data quality at this position in the gnomAD database. This variant has not been reported in the literature in individuals affected with MOCS1-related conditions. ClinVar contains an entry for this variant (Variation ID: 1044052). Algorithms developed to predict the effect of missense changes on protein structure and function are either unavailable or do not agree on the potential impact of this missense change (SIFT: "Tolerated"; PolyPhen-2: "Not Available"; Align-GVGD: "Class C0"). In summary, the available evidence is currently insufficient to determine the role of this variant in disease. Therefore, it has been classified as a Variant of Uncertain Significance.

NM_001358530.2(MOCS1):c.13C>T (p.Pro5Ser)

Gene: MOCS1 (molybdenum cofactor synthesis 1; minus strand). Cytogenetic location: 6p21.2.
Variant type: single nucleotide variant.
Coding change: c.13C>T on transcript NM_001358530.2 (MANE Select); coding-DNA position 13, C replaced by T.
Protein change: p.Pro5Ser; replaces proline 5 with serine.
Molecular consequence: missense variant. On other transcripts: 5 prime UTR variant (2), non-coding transcript variant (1).
Genome position (GRCh38, 1-based): chr6:39,934,405, G>A on the plus strand (C>T on the coding strand, the complement: MOCS1 is on the minus strand). VCF-style: chr6-39934405-G-A. GRCh37 (hg19) VCF-style: chr6-39902144-G-A.
Other names: c.13C>T, p.Pro5Ser (NM_001075098.4, NM_001358529.2); c.-122C>T (NM_001358531.2, NM_001358533.2); c.13C>T (NM_001075098.3); short protein forms P5S.
Identifiers: ClinVar variation 1044052 (VCV001044052.6), dbSNP rs1278428185, ClinGen allele CA364030788.